The following is an entry in ClinVar:

ClinVar aggregate classification (germline): Uncertain significance (1 of 4 stars; one submission).

Conditions:
Autosomal recessive Robinow syndrome (RRS1). Also called: ROBINOW SYNDROME, AUTOSOMAL RECESSIVE 1; COSTOVERTEBRAL SEGMENTATION DEFECT WITH MESOMELIA; COVESDEM SYNDROME; ROR2-Related Robinow Syndrome. Identifiers: Orphanet 1507, Orphanet 97360, MedGen C5399974, MONDO:0009999, OMIM 268310.
Brachydactyly type B1 (BDB1). Identifiers: Orphanet 572385, Orphanet 93383, MedGen C1862112, MONDO:0007220, OMIM 113000.

Submission:

Juno Genomics, Hangzhou Juno Genomics, Inc
Classification: Uncertain significance for Autosomal recessive Robinow syndrome; Brachydactyly type B1. Review status: criteria provided, single submitter. Criteria: ACMG Guidelines, 2015. Collection method: clinical testing. Allele origin: germline.
Comment: Absent from controls (or at extremely low frequency if recessive) in Genome Aggregation Database.;Multiple lines of computational evidence support a deleterious effect on the gene or gene product.

NM_004560.4(ROR2):c.2237T>C (p.Leu746Pro)

Gene: ROR2 (ROR family WNT receptor 2; minus strand). Cytogenetic location: 9q22.31.
Variant type: single nucleotide variant.
Coding change: c.2237T>C on transcript NM_004560.4 (MANE Select); coding-DNA position 2237, T replaced by C.
Protein change: p.Leu746Pro; replaces leucine 746 with proline.
Molecular consequence: missense variant.
Genome position (GRCh38, 1-based): chr9:91,724,257, A>G on the plus strand (T>C on the coding strand, the complement: ROR2 is on the minus strand). VCF-style: chr9-91724257-A-G. GRCh37 (hg19) VCF-style: chr9-94486539-A-G.
Other names: short protein forms L746P.
Identifiers: ClinVar variation 5019514 (VCV005019514.2).
Genomic context (GRCh38, chr9:91,724,257, plus strand): 5'-TTGCTGGCCCCCGAGGTCTGCGCCGAGCTGTTGTAGTTGGAAAGGTTGCCCCAGGCTCGG[A>G]GCCGGCTGTGGATGTCCTTGAAGCGGGGCCGCCGGCTGGGGAACTCGTTCCAGCACTCGA-3'
Protein context (NP_004551.2, residues 736-756): RPRFKDIHSR[Leu746Pro]RAWGNLSNYN